The following is an entry in ClinVar:

NM_001127511.3(APC):c.10T>A (p.Ser4Thr)

Gene: APC (APC regulator of Wnt signaling pathway; plus strand). Cytogenetic location: 5q22.2.
Variant type: single nucleotide variant.
Coding change: c.10T>A on transcript NM_001127511.3; coding-DNA position 10, T replaced by A.
Protein change: p.Ser4Thr; replaces serine 4 with threonine.
Molecular consequence: missense variant. On other transcripts: 5 prime UTR variant (8), non-coding transcript variant (1), intron variant (5).
Genome position (GRCh38, 1-based): chr5:112,707,727, T>A. VCF-style: chr5-112707727-T-A. GRCh37 (hg19) VCF-style: chr5-112043424-T-A.
Other names: c.-174T>A (NM_001354895.2, NM_001407447.1, NM_001407452.1 and 3 more transcripts); c.10T>A, p.Ser4Thr (NM_001354897.2, NM_001354902.2, NM_001407446.1); c.-1209T>A (NM_001407470.1, NM_001407472.1); c.-19+78T>A (NM_001407448.1, NM_001407450.1, NM_001407457.1 and 1 more transcripts); c.-43+78T>A (NM_001407453.1); short protein forms S4T.
Identifiers: ClinVar variation 1063887 (VCV001063887.8), dbSNP rs959934876, ClinGen allele CA360611574.

ClinVar aggregate classification (germline): Uncertain significance (1 of 4 stars; one submission).

Conditions:
Familial adenomatous polyposis 1 (FAP1). Also called: FAMILIAL ADENOMATOUS POLYPOSIS 1, ATTENUATED; POLYPOSIS, ADENOMATOUS INTESTINAL. Identifiers: MedGen C2713442, MONDO:0021056, OMIM 175100. Disease mechanism: loss of function.

Submission:

Labcorp Genetics (formerly Invitae), Labcorp
Classification: Uncertain significance for Familial adenomatous polyposis 1. Last evaluated: 2024-08-06. Review status: criteria provided, single submitter. Criteria: Invitae Variant Classification Sherloc (09022015). Collection method: clinical testing. Allele origin: germline.
Comment: This variant occurs in a non-coding region of the APC gene. It does not change the encoded amino acid sequence of the APC protein. This variant has not been reported in the literature in individuals affected with APC-related conditions. Experimental studies and prediction algorithms are not available or were not evaluated, and the functional significance of this variant is currently unknown. In summary, the available evidence is currently insufficient to determine the role of this variant in disease. Therefore, it has been classified as a Variant of Uncertain Significance.